The following is an entry in ClinVar:

ClinVar aggregate classification (germline): Uncertain significance (1 of 4 stars; one submission).

Conditions:
Hereditary cancer-predisposing syndrome. Also called: Neoplastic Syndromes, Hereditary; Tumor predisposition; Hereditary Cancer Syndrome; Hereditary neoplastic syndrome. Identifiers: Orphanet 140162, MedGen C0027672, MeSH D009386, MONDO:0015356.

Submission:

Ambry Genetics
Classification: Uncertain significance for Hereditary cancer-predisposing syndrome. Last evaluated: 2022-04-28. Review status: criteria provided, single submitter. Criteria: Ambry Variant Classification Scheme 2023. Collection method: clinical testing. Allele origin: germline.
Comment: The p.K559N variant (also known as c.1677G>T), located in coding exon 11 of the FLCN gene, results from a G to T substitution at nucleotide position 1677. The lysine at codon 559 is replaced by asparagine, an amino acid with similar properties. This amino acid position is conserved. In addition, this alteration is predicted to be tolerated by in silico analysis. Since supporting evidence is limited at this time, the clinical significance of this alteration remains unclear.

NM_144997.7(FLCN):c.1677G>T (p.Lys559Asn)

Gene: FLCN (folliculin; minus strand). Cytogenetic location: 17p11.2.
Variant type: single nucleotide variant.
Coding change: c.1677G>T on transcript NM_144997.7 (MANE Select); coding-DNA position 1677, G replaced by T.
Protein change: p.Lys559Asn; replaces lysine 559 with asparagine.
Molecular consequence: missense variant.
Genome position (GRCh38, 1-based): chr17:17,213,718, C>A on the plus strand (G>T on the coding strand, the complement: FLCN is on the minus strand). VCF-style: chr17-17213718-C-A. GRCh37 (hg19) VCF-style: chr17-17117032-C-A.
Other names: c.1731G>T, p.Lys577Asn (NM_001353229.2); c.1677G>T, p.Lys559Asn (NM_001353230.2, NM_001353231.2); short protein forms K559N, K577N.
Identifiers: ClinVar variation 1777820 (VCV001777820.2), dbSNP rs771038343, ClinGen allele CA398529873.